The following is an entry in ClinVar:

NM_014970.4(KIFAP3):c.1794A>G (p.Leu598=)

Gene: KIFAP3 (kinesin associated protein 3; minus strand). Cytogenetic location: 1q24.2.
Variant type: single nucleotide variant.
Coding change: c.1794A>G on transcript NM_014970.4 (MANE Select); coding-DNA position 1794, A replaced by G.
Protein change: p.Leu598=; no amino-acid change (leucine 598 retained).
Molecular consequence: synonymous variant.
Genome position (GRCh38, 1-based): chr1:169,981,976, T>C on the plus strand (A>G on the coding strand, the complement: KIFAP3 is on the minus strand). VCF-style: chr1-169981976-T-C. GRCh37 (hg19) VCF-style: chr1-169951117-T-C.
Other names: c.1560A>G, p.Leu520= (NM_001204514.2); c.1662A>G, p.Leu554= (NM_001204516.2); c.1674A>G, p.Leu558= (NM_001204517.2); c.1794A>G, p.Leu598= (NM_001375830.1, NM_001375831.1).
Identifiers: ClinVar variation 3032436 (VCV003032436.2), dbSNP rs41302121, ClinGen allele CA1238316.

ClinVar aggregate classification (germline): Likely benign (0 of 4 stars; one submission).

Conditions:
KIFAP3-related disorder. Also called: KIFAP3-related condition.

Allele frequency attached by ClinVar (database versions not stated): ExAC 0.00003; gnomAD exomes 0.00004; gnomAD 0.00005; TOPMed 0.00007; 1000 Genomes Project 0.00020; 1000 Genomes Project 30x 0.00031.
gnomAD v4.1: 75 of 1,610,968 alleles (0.0047%); highest among the groups gnomAD compares: Admixed American, 0.0067%; no homozygotes.

Submission:

PreventionGenetics, part of Exact Sciences
Classification: Likely benign for KIFAP3-related condition. Last evaluated: 2020-09-02. Review status: no assertion criteria provided. Collection method: clinical testing. Allele origin: germline.
Comment: This variant is classified as likely benign based on ACMG/AMP sequence variant interpretation guidelines (Richards et al. 2015 PMID: 25741868, with internal and published modifications).